The following is an entry in ClinVar:

NM_004621.6(TRPC6):c.951C>A (p.Asp317Glu)

Gene: TRPC6 (transient receptor potential cation channel subfamily C member 6; minus strand). Cytogenetic location: 11q22.1.
Variant type: single nucleotide variant.
Coding change: c.951C>A on transcript NM_004621.6 (MANE Select); coding-DNA position 951, C replaced by A.
Protein change: p.Asp317Glu; replaces aspartic acid 317 with glutamic acid.
Molecular consequence: missense variant.
Genome position (GRCh38, 1-based): chr11:101,491,733, G>T on the plus strand (C>A on the coding strand, the complement: TRPC6 is on the minus strand). VCF-style: chr11-101491733-G-T. GRCh37 (hg19) VCF-style: chr11-101362464-G-T.
Other names: c.951C>A (NM_004621.5); short protein forms D317E.
Identifiers: ClinVar variation 2721192 (VCV002721192.4), dbSNP rs1407502671, ClinGen allele CA382445493.

ClinVar aggregate classification (germline): Uncertain significance. Review status: criteria provided, multiple submitters, no conflicts (2 of 4 stars). 2 submissions from 2 submitters: Uncertain significance (2). Last evaluated 2025-06-12.

Conditions:
Inborn genetic diseases. Identifiers: MedGen C0950123, MeSH D030342.

Allele frequency attached by ClinVar (database versions not stated): TOPMed below 0.00001; gnomAD 0.00001.
gnomAD v4.1: 5 of 1,609,466 alleles (0.00031%); highest among the groups gnomAD compares: Non-Finnish European, 0.00042%; no homozygotes.

Submissions (2):

Labcorp Genetics (formerly Invitae), Labcorp
Classification: Uncertain significance. Last evaluated: 2025-06-12. Review status: criteria provided, single submitter. Criteria: Invitae Variant Classification Sherloc (09022015). Collection method: clinical testing. Allele origin: germline.
Comment: This sequence change replaces aspartic acid, which is acidic and polar, with glutamic acid, which is acidic and polar, at codon 317 of the TRPC6 protein (p.Asp317Glu). This variant is not present in population databases (gnomAD no frequency). This variant has not been reported in the literature in individuals affected with TRPC6-related conditions. ClinVar contains an entry for this variant (Variation ID: 2721192). Invitae Evidence Modeling of protein sequence and biophysical properties (such as structural, functional, and spatial information, amino acid conservation, physicochemical variation, residue mobility, and thermodynamic stability) indicates that this missense variant is not expected to disrupt TRPC6 protein function with a negative predictive value of 95%. In summary, the available evidence is currently insufficient to determine the role of this variant in disease. Therefore, it has been classified as a Variant of Uncertain Significance.

Ambry Genetics
Classification: Uncertain significance for Inborn genetic diseases. Last evaluated: 2024-07-30. Review status: criteria provided, single submitter. Criteria: Ambry Variant Classification Scheme 2023. Collection method: clinical testing. Allele origin: germline.